The following is an entry in ClinVar:

NM_006371.5(CRTAP):c.-35C>T

Genes: CRTAP (cartilage associated protein; plus strand), LOC129936436 (ATAC-STARR-seq lymphoblastoid silent region 14183; plus strand). Cytogenetic location: 3p22.3.
Variant type: single nucleotide variant.
Coding change: c.-35C>T on transcript NM_006371.5 (MANE Select); 35 bases upstream of the start codon, C replaced by T.
Molecular consequence: 5 prime UTR variant.
Genome position (GRCh38, 1-based): chr3:33,114,043, C>T. VCF-style: chr3-33114043-C-T. GRCh37 (hg19) VCF-style: chr3-33155535-C-T.
Other names: c.-35C>T (NM_001393363.1, NM_001393364.1, NM_001393365.1).
Identifiers: ClinVar variation 344802 (VCV000344802.5), dbSNP rs567359532, ClinGen allele CA2300162.
Genomic context (GRCh38, chr3:33,114,043, plus strand): 5'-ACTGGGCCCGCCGCGTCGCACCGTCCTCTTTCCTTTCCTTCTCCCTCCCCTTTTCCCTTC[C>T]TTCGTCCCTTCCTTCCTTCCTTTCGCCGGGCGCGATGGAGCCGGGGCGCCGGGGGGCCGC-3'

ClinVar aggregate classification (germline): Conflicting classifications of pathogenicity. Review status: criteria provided, conflicting classifications (1 of 4 stars). 2 submissions from 2 submitters: Uncertain significance (1); Likely benign (1). Last evaluated 2018-01-13.

Conditions:
Osteogenesis imperfecta type 7 (OI7). Also called: OI type 7; OI type VII; OSTEOGENESIS IMPERFECTA, TYPE IIB; Osteogenesis imperfecta type 2B; OI type 2B; Osteogenesis imperfecta, perinatal lethal autosomal recessive. Identifiers: MedGen C1853162, MONDO:0012536, OMIM 610682.

Allele frequency attached by ClinVar (database versions not stated): gnomAD 0.00001 and 0.00010; TOPMed 0.00001; 1000 Genomes Project 0.00060; 1000 Genomes Project 30x 0.00078.
gnomAD v4.1: 191 of 1,420,706 alleles (0.013%); highest among the groups gnomAD compares: South Asian, 0.23%; 5 homozygotes.

Submissions (2):

Illumina Laboratory Services, Illumina
Classification: Uncertain significance for Osteogenesis imperfecta type 7. Last evaluated: 2018-01-13. Review status: criteria provided, single submitter. Criteria: ICSL Variant Classification Criteria 13 December 2019. Collection method: clinical testing. Allele origin: germline.

GeneDx
Classification: Likely benign. Last evaluated: 2016-08-03. Review status: criteria provided, single submitter. Criteria: GeneDx Variant Classification (06012015). Collection method: clinical testing. Allele origin: germline. Affected: yes.
Comment: This variant is considered likely benign or benign based on one or more of the following criteria: it is a conservative change, it occurs at a poorly conserved position in the protein, it is predicted to be benign by multiple in silico algorithms, and/or has population frequency not consistent with disease.